The following is an entry in ClinVar:

NM_000235.4(LIPA):c.796G>A (p.Gly266Arg)

Gene: LIPA (lipase A, lysosomal acid type; minus strand). Cytogenetic location: 10q23.31.
Variant type: single nucleotide variant.
Coding change: c.796G>A on transcript NM_000235.4 (MANE Select); coding-DNA position 796, G replaced by A.
Protein change: p.Gly266Arg; replaces glycine 266 with arginine.
Molecular consequence: missense variant.
Genome position (GRCh38, 1-based): chr10:89,223,710, C>T on the plus strand (G>A on the coding strand, the complement: LIPA is on the minus strand). VCF-style: chr10-89223710-C-T. GRCh37 (hg19) VCF-style: chr10-90983467-C-T.
Other names: c.796G>A, p.Gly266Arg (NM_001127605.3); c.448G>A, p.Gly150Arg (NM_001288979.2); short protein forms G150R, G266R.
Identifiers: ClinVar variation 3230716 (VCV003230716.1), dbSNP rs267607218, ClinGen allele CA377516873.

ClinVar aggregate classification (germline): Uncertain significance (1 of 4 stars; one submission).

Conditions:
Cardiovascular phenotype. Identifiers: MedGen CN230736.

Submission:

Ambry Genetics
Classification: Uncertain significance for Cardiovascular phenotype. Last evaluated: 2024-01-23. Review status: criteria provided, single submitter. Criteria: Ambry Variant Classification Scheme 2023. Collection method: clinical testing. Allele origin: germline.
Comment: The p.G266R variant (also known as c.796G>A), located in coding exon 6 of the LIPA gene, results from a G to A substitution at nucleotide position 796. The glycine at codon 266 is replaced by arginine, an amino acid with dissimilar properties. This amino acid position is conserved. In addition, this alteration is predicted to be deleterious by in silico analysis. Based on the available evidence, the clinical significance of this alteration remains unclear.